The following is an entry in ClinVar:

NM_004667.6(HERC2):c.2742C>T (p.Cys914=)

Gene: HERC2 (HECT and RLD domain containing E3 ubiquitin protein ligase 2; minus strand). Cytogenetic location: 15q13.1.
Variant type: single nucleotide variant.
Coding change: c.2742C>T on transcript NM_004667.6 (MANE Select); coding-DNA position 2742, C replaced by T.
Protein change: p.Cys914=; no amino-acid change (cysteine 914 retained).
Molecular consequence: synonymous variant.
Genome position (GRCh38, 1-based): chr15:28,256,093, G>A on the plus strand (C>T on the coding strand, the complement: HERC2 is on the minus strand). VCF-style: chr15-28256093-G-A. GRCh37 (hg19) VCF-style: chr15-28501239-G-A.
Identifiers: ClinVar variation 2578729 (VCV002578729.25), dbSNP rs760094386, ClinGen allele CA7443120.

ClinVar aggregate classification (germline): Likely benign (1 of 4 stars; one submission).

Allele frequency attached by ClinVar (database versions not stated): gnomAD 0.00019.
gnomAD v4.1: 421 of 1,603,292 alleles (0.026%); highest among the groups gnomAD compares: Non-Finnish European, 0.032%; no homozygotes.

Submission:

CeGaT Center for Human Genetics Tuebingen
Classification: Likely benign. Last evaluated: 2026-08-01. Review status: criteria provided, single submitter. Criteria: CeGaT Center For Human Genetics Tuebingen Variant Classification Criteria Version 2. Collection method: clinical testing. Allele origin: germline. Affected: yes. Observed: 5 variant alleles.
Comment: HERC2: BP4, BP7